The following is an entry in ClinVar:

NM_000368.5(TSC1):c.2167G>C (p.Val723Leu)

Gene: TSC1 (TSC complex subunit 1; minus strand). Cytogenetic location: 9q34.13.
Variant type: single nucleotide variant.
Coding change: c.2167G>C on transcript NM_000368.5 (MANE Select); coding-DNA position 2167, G replaced by C.
Protein change: p.Val723Leu; replaces valine 723 with leucine.
Molecular consequence: missense variant. On other transcripts: non-coding transcript variant (4).
Genome position (GRCh38, 1-based): chr9:132,903,692, C>G on the plus strand (G>C on the coding strand, the complement: TSC1 is on the minus strand). VCF-style: chr9-132903692-C-G. GRCh37 (hg19) VCF-style: chr9-135779079-C-G.
Other names: c.2164G>C, p.Val722Leu (NM_001162426.2, NM_001406597.1, NM_001406598.1 and 4 more transcripts); c.2014G>C, p.Val672Leu (NM_001162427.2, NM_001406610.1); c.1804G>C, p.Val602Leu (NM_001362177.2, NM_001406614.1, NM_001406615.1 and 5 more transcripts); c.2167G>C, p.Val723Leu (NM_001406592.1, NM_001406593.1, NM_001406594.1 and 5 more transcripts); c.2152G>C, p.Val718Leu (NM_001406601.1, NM_001406602.1); c.2149G>C, p.Val717Leu (NM_001406603.1, NM_001406604.1); c.2011G>C, p.Val671Leu (NM_001406611.1, NM_001406612.1, NM_001406613.1); c.1801G>C, p.Val601Leu (NM_001406620.1, NM_001406621.1, NM_001406622.1 and 2 more transcripts); and 3 more; short protein forms V722L, V723L, V372L, V405L, V406L, V601L, V602L, V671L.
Identifiers: ClinVar variation 3231292 (VCV003231292.2), dbSNP rs2131760345, ClinGen allele CA375360790.
Genomic context (GRCh38, chr9:132,903,692, plus strand): 5'-TCCCCTCCCCAGTCCTCACCATGGCAGCATTATGTTCCTCCAGAGCTGCTGCTTTGATCA[C>G]CTTGCGGAGGAGCCGCCTGTTCCGGAGGGCATGCTGCTGCCTCTTAAAACGCTCATAGAG-3'
Protein context (NP_000359.1, residues 713-733): ALRNRRLLRK[Val723Leu]IKAAALEEHN

ClinVar aggregate classification (germline): Uncertain significance. Review status: criteria provided, multiple submitters, no conflicts (2 of 4 stars). 2 submissions from 2 submitters: Uncertain significance (2). Last evaluated 2023-12-29.

Conditions:
Hereditary cancer-predisposing syndrome. Also called: Tumor predisposition; Hereditary Cancer Syndrome; Hereditary neoplastic syndrome; Neoplastic Syndromes, Hereditary. Identifiers: Orphanet 140162, MedGen C0027672, MeSH D009386, MONDO:0015356.

Submissions (2):

Ambry Genetics
Classification: Uncertain significance for Hereditary cancer-predisposing syndrome. Last evaluated: 2023-12-29. Review status: criteria provided, single submitter. Criteria: Ambry Variant Classification Scheme 2023. Collection method: clinical testing. Allele origin: germline.
Comment: The p.V723L variant (also known as c.2167G>C), located in coding exon 15 of the TSC1 gene, results from a G to C substitution at nucleotide position 2167. The valine at codon 723 is replaced by leucine, an amino acid with highly similar properties. This amino acid position is conserved. In addition, this alteration is predicted to be tolerated by in silico analysis. Since supporting evidence is limited at this time, the clinical significance of this alteration remains unclear.

Blueprint Genetics
Classification: Uncertain significance. Last evaluated: 2021-08-23. Review status: criteria provided, single submitter. Criteria: ACMG Guidelines, 2015. Collection method: clinical testing. Allele origin: germline.